The following is an entry in ClinVar:

NM_001792.5(CDH2):c.1703A>C (p.Asn568Thr)

Gene: CDH2 (cadherin 2; minus strand). Cytogenetic location: 18q12.1.
Variant type: single nucleotide variant.
Coding change: c.1703A>C on transcript NM_001792.5 (MANE Select); coding-DNA position 1703, A replaced by C.
Protein change: p.Asn568Thr; replaces asparagine 568 with threonine.
Molecular consequence: missense variant.
Genome position (GRCh38, 1-based): chr18:27,988,562, T>G on the plus strand (A>C on the coding strand, the complement: CDH2 is on the minus strand). VCF-style: chr18-27988562-T-G. GRCh37 (hg19) VCF-style: chr18-25568526-T-G.
Other names: c.1610A>C, p.Asn537Thr (NM_001308176.2); short protein forms N568T, N537T.
Identifiers: ClinVar variation 3004163 (VCV003004163.3), dbSNP rs1291530759, ClinGen allele CA402107865.

ClinVar aggregate classification (germline): Uncertain significance (1 of 4 stars; one submission).

Allele frequency attached by ClinVar (database versions not stated): gnomAD exomes below 0.00001; TOPMed below 0.00001.
gnomAD v4.1: 2 of 1,613,214 alleles (0.00012%); highest among the groups gnomAD compares: Admixed American, 0.0017%; no homozygotes.

Submission:

Labcorp Genetics (formerly Invitae), Labcorp
Classification: Uncertain significance. Last evaluated: 2024-10-29. Review status: criteria provided, single submitter. Criteria: Invitae Variant Classification Sherloc (09022015). Collection method: clinical testing. Allele origin: germline.
Comment: This sequence change replaces asparagine, which is neutral and polar, with threonine, which is neutral and polar, at codon 568 of the CDH2 protein (p.Asn568Thr). This variant is present in population databases (no rsID available, gnomAD 0.003%). This variant has not been reported in the literature in individuals affected with CDH2-related conditions. ClinVar contains an entry for this variant (Variation ID: 3004163). An algorithm developed to predict the effect of missense changes on protein structure and function (PolyPhen-2) suggests that this variant is likely to be tolerated. In summary, the available evidence is currently insufficient to determine the role of this variant in disease. Therefore, it has been classified as a Variant of Uncertain Significance.